The following is an entry in ClinVar:

NM_001288705.3(CSF1R):c.489C>A (p.Thr163=)

Gene: CSF1R (colony stimulating factor 1 receptor; minus strand). Cytogenetic location: 5q32.
Variant type: single nucleotide variant.
Coding change: c.489C>A on transcript NM_001288705.3 (MANE Select); coding-DNA position 489, C replaced by A.
Protein change: p.Thr163=; no amino-acid change (threonine 163 retained).
Molecular consequence: synonymous variant. On other transcripts: non-coding transcript variant (2).
Genome position (GRCh38, 1-based): chr5:150,080,155, G>T on the plus strand (C>A on the coding strand, the complement: CSF1R is on the minus strand). VCF-style: chr5-150080155-G-T. GRCh37 (hg19) VCF-style: chr5-149459718-G-T.
Other names: c.489C>A, p.Thr163= (NM_001349736.2, NM_001375320.1, NM_005211.4); c.45C>A, p.Thr15= (NM_001375321.1).
Identifiers: ClinVar variation 1606104 (VCV001606104.12), dbSNP rs768676884, ClinGen allele CA3507168.

ClinVar aggregate classification (germline): Likely benign. Review status: criteria provided, multiple submitters, no conflicts (2 of 4 stars). 2 submissions from 2 submitters: Likely benign (2). Last evaluated 2026-01-01.

Allele frequency attached by ClinVar (database versions not stated): ExAC 0.00001; TOPMed 0.00002; gnomAD 0.00003.
gnomAD v4.1: 34 of 1,613,970 alleles (0.0021%); highest among the groups gnomAD compares: Non-Finnish European, 0.0028%; no homozygotes.

Submissions (2):

CeGaT Center for Human Genetics Tuebingen
Classification: Likely benign. Last evaluated: 2026-01-01. Review status: criteria provided, single submitter. Criteria: CeGaT Center For Human Genetics Tuebingen Variant Classification Criteria Version 2. Collection method: clinical testing. Allele origin: germline. Affected: yes. Observed: 1 variant allele.
Comment: CSF1R: BP4, BP7

Labcorp Genetics (formerly Invitae), Labcorp
Classification: Likely benign. Last evaluated: 2022-07-12. Review status: criteria provided, single submitter. Criteria: Invitae Variant Classification Sherloc (09022015). Collection method: clinical testing. Allele origin: germline.